The following is an entry in ClinVar:

NM_001352027.3(PHF21A):c.1690G>A (p.Glu564Lys)

Gene: PHF21A (PHD finger protein 21A; minus strand). Cytogenetic location: 11p11.2.
Variant type: single nucleotide variant.
Coding change: c.1690G>A on transcript NM_001352027.3 (MANE Select); coding-DNA position 1690, G replaced by A.
Protein change: p.Glu564Lys; replaces glutamic acid 564 with lysine.
Molecular consequence: missense variant. On other transcripts: non-coding transcript variant (2).
Genome position (GRCh38, 1-based): chr11:45,935,734, C>T on the plus strand (G>A on the coding strand, the complement: PHF21A is on the minus strand). VCF-style: chr11-45935734-C-T. GRCh37 (hg19) VCF-style: chr11-45957285-C-T.
Other names: c.1687G>A, p.Glu563Lys (NM_001101802.3); c.1690G>A, p.Glu564Lys (NM_001352025.3, NM_001352026.3, NM_001441170.1); c.1549G>A, p.Glu517Lys (NM_001352028.1, NM_001352029.1, NM_016621.5); c.1546G>A, p.Glu516Lys (NM_001352030.3, NM_001352031.3, NM_001352032.3); c.1711G>A, p.Glu571Lys (NM_001441167.1, NM_001441168.1); c.1708G>A, p.Glu570Lys (NM_001441169.1); c.1531G>A, p.Glu511Lys (NM_001441171.1); c.1438G>A, p.Glu480Lys (NM_001441172.1); short protein forms E480K, E511K, E516K, E517K, E563K, E564K, E570K, E571K.
Identifiers: ClinVar variation 4847077 (VCV004847077.1).

ClinVar aggregate classification (germline): Uncertain significance (1 of 4 stars; one submission).

Submission:

Women's Health and Genetics/Laboratory Corporation of America, LabCorp
Classification: Uncertain significance. Last evaluated: 2026-03-19. Review status: criteria provided, single submitter. Criteria: LabCorp Variant Classification Summary - May 2015. Collection method: clinical testing. Allele origin: germline.
Comment: Variant summary: PHF21A c.1687G>A (p.Glu563Lys) results in a conservative amino acid change in the encoded protein sequence. Algorithms developed to predict the effect of missense changes on protein structure and function are either unavailable or do not agree on the potential impact of this missense change. The frequency data for this variant in gnomAD is considered unreliable, as metrics indicate poor data quality at this position. To our knowledge, no occurrence of c.1687G>A in individuals affected with PHF21A-related conditions and no experimental evidence demonstrating its impact on protein function have been reported. No submitters have cited clinical-significance assessments for this variant to ClinVar. Based on the evidence outlined above, the variant was classified as uncertain significance.